The following is an entry in ClinVar:

NM_000535.7(PMS2):c.354-1G>A

Gene: PMS2 (PMS1 homolog 2, mismatch repair system component; minus strand). Cytogenetic location: 7p22.1.
Variant type: single nucleotide variant.
Coding change: c.354-1G>A on transcript NM_000535.7 (MANE Select); the canonical splice acceptor site of the intron before coding-DNA position 354, G replaced by A.
Molecular consequence: splice acceptor variant. On other transcripts: missense variant (9), intron variant (1).
Genome position (GRCh38, 1-based): chr7:6,002,637, C>T on the plus strand (G>A on the coding strand, the complement: PMS2 is on the minus strand). VCF-style: chr7-6002637-C-T. GRCh37 (hg19) VCF-style: chr7-6042268-C-T.
Other names: c.44G>A, p.Ser15Asn (NM_001322015.2, NM_001406875.1, NM_001406877.1 and 6 more transcripts); c.36-1G>A (NM_001322008.2, NM_001406902.1, NM_001406883.1 and 4 more transcripts); c.-52-1G>A (NM_001406895.1, NM_001406911.1, NM_001322010.2 and 24 more transcripts); c.-531-1G>A (NM_001322012.2, NM_001322011.2); c.250+1335G>A (NM_001406885.1); c.354-1G>A (NM_001406886.1, NM_001406884.1, NM_001406874.1 and 9 more transcripts); c.378-1G>A (NM_001406868.1); c.540-1G>A (NM_001406866.1); short protein forms S15N.
Identifiers: ClinVar variation 187726 (VCV000187726.17), dbSNP rs786203954, ClinGen allele CA011931.

ClinVar aggregate classification (germline): Pathogenic/Likely pathogenic. Review status: criteria provided, multiple submitters, no conflicts (2 of 4 stars). 6 submissions from 6 submitters: Pathogenic (4); Likely pathogenic (1). 1 of the submissions does not count toward it. Last evaluated 2024-12-30.

Conditions:
Hereditary cancer-predisposing syndrome. Also called: Neoplastic Syndromes, Hereditary; Hereditary neoplastic syndrome; Tumor predisposition; Hereditary Cancer Syndrome. Identifiers: Orphanet 140162, MedGen C0027672, MeSH D009386, MONDO:0015356.
Hereditary nonpolyposis colorectal neoplasms. Identifiers: MedGen C0009405, MeSH D003123.
Lynch syndrome 4 (LYNCH4). Also called: Colorectal cancer, hereditary nonpolyposis, type 4; Hereditary non-polyposis colorectal cancer, type 4. Identifiers: Orphanet 144, MedGen C1838333, MONDO:0013699, OMIM 614337. Disease mechanism: loss of function.

Allele frequency attached by ClinVar (database versions not stated): TOPMed below 0.00001; gnomAD exomes below 0.00001.
gnomAD v4.1: 1 of 1,610,532 alleles (0.000062%); highest among the groups gnomAD compares: South Asian, 0.0011%; no homozygotes.

Submissions (6):

Ambry Genetics
Classification: Pathogenic for Hereditary cancer-predisposing syndrome. Last evaluated: 2024-12-30. Review status: criteria provided, single submitter. Criteria: Ambry Variant Classification Scheme 2023. Collection method: clinical testing. Allele origin: germline.
Comment: The c.354-1G>A intronic pathogenic mutation results from a G to A substitution one nucleotide upstream from coding exon 5 of the PMS2 gene. This variant has been reported in the literature in a Lynch syndrome family of Dutch ancestry (ten Broeke SW et al. J. Clin. Oncol., 2015 Feb;33:319-25). Authors report high microsatellite instability and weak PMS2 staining in this individual's tumor by IHC (Lavoine N et al. J. Med. Genet. 2015 Nov;52:770-8). This variant is considered to be rare based on population cohorts in the Genome Aggregation Database (gnomAD). This nucleotide position is highly conserved in available vertebrate species. In silico splice site analysis predicts that this variant will weaken the native splice acceptor site. RNA studies have demonstrated that this variant results in abnormal splicing in the set of samples tested (Ambry internal data). Variants that disrupt the canonical splice site are expected to cause aberrant splicing, resulting in an abnormal protein or a transcript that is subject to nonsense-mediated mRNA decay. As such, this variant is classified as a disease-causing mutation.

Labcorp Genetics (formerly Invitae), Labcorp
Classification: Pathogenic for Hereditary nonpolyposis colorectal neoplasms. Last evaluated: 2024-09-12. Review status: criteria provided, single submitter. Criteria: Invitae Variant Classification Sherloc (09022015). Collection method: clinical testing. Allele origin: germline.
Comment: This sequence change affects an acceptor splice site in intron 4 of the PMS2 gene. RNA analysis indicates that disruption of this splice site induces altered splicing and may result in an absent or altered protein product. This variant is not present in population databases (gnomAD no frequency). Disruption of this splice site has been observed in individuals with clinical features of PMS2-related conditions (PMID: 25512458, 26318770, 29758216, 34178123; internal data). ClinVar contains an entry for this variant (Variation ID: 187726). Studies have shown that disruption of this splice site results in activation of a cryptic splice site, and produces a non-functional protein and/or introduces a premature termination codon (internal data). For these reasons, this variant has been classified as Pathogenic.

Myriad Genetics, Inc.
Classification: Likely pathogenic for Lynch syndrome 4. Last evaluated: 2023-09-18. Review status: criteria provided, single submitter. Criteria: Myriad Autosomal Dominant, Autosomal Recessive and X-Linked Classification Criteria (2023). Collection method: clinical testing. Allele origin: unknown.
Comment: This variant is considered likely pathogenic. This variant occurs within a consensus splice junction and is predicted to result in abnormal mRNA splicing of either an out-of-frame exon or an in-frame exon necessary for protein stability and/or normal function.

GeneDx
Classification: Pathogenic. Last evaluated: 2023-09-16. Review status: criteria provided, single submitter. Criteria: GeneDx Variant Classification Process June 2021. Collection method: clinical testing. Allele origin: germline.
Comment: Canonical splice site variant predicted to result in a null allele in a gene for which loss of function is a known mechanism of disease; Observed with a pathogenic PMS2 variant, phase (cis or trans) unknown, in a patient with a personal history consistent with constitutional mismatch repair deficiency (Lavoine et al., 2015); Not observed at significant frequency in large population cohorts (gnomAD); Truncating variants in this gene are considered pathogenic by a well-established clinical consortium and/or database; This variant is associated with the following publications: (PMID: 28765196, 26318770, 29758216, 34178123, 25512458)

Quest Diagnostics Nichols Institute San Juan Capistrano
Classification: Pathogenic. Last evaluated: 2022-12-06. Review status: criteria provided, single submitter. Criteria: Quest Diagnostics criteria. Collection method: clinical testing. Allele origin: unknown.
Comment: This variant disrupts a canonical splice-acceptor site and interferes with normal PMS2 mRNA splicing. This variant has not been reported in large, multi-ethnic general populations. In the published literature, the variant has been reported in individuals with Lynch Syndrome related colorectal cancer (PMIDs: 25512458 (2015), 29758216 (2018), and 34178123 (2021)), constitutional mismatch repair deficiency syndrome (CMMRD) (PMID: 26318770 (2015)), and breast cancer (PMID: 33471991 (2021), see also LOVD). Based on the available information, this variant is classified as pathogenic.

Zotz-Klimas Genetics Lab, MVZ Zotz Klimas
Classification: Pathogenic for Lynch syndrome 4. Last evaluated: 2023-10-09. Review status: no assertion criteria provided. Collection method: clinical testing. Allele origin: germline. Affected: yes. Not counted in ClinVar's aggregate classification.

Literature cited by the submitters: PubMed 25512458 (cited by 3 submitters); PubMed 26318770 (cited by 3 submitters); PubMed 29758216 (cited by Labcorp Genetics (formerly Invitae), Labcorp and Quest Diagnostics Nichols Institute San Juan Capistrano); PubMed 34178123 (cited by Labcorp Genetics (formerly Invitae), Labcorp and Quest Diagnostics Nichols Institute San Juan Capistrano); PubMed 32906206 (cited by Quest Diagnostics Nichols Institute San Juan Capistrano); PubMed 33471991 (cited by Quest Diagnostics Nichols Institute San Juan Capistrano).